The following is an entry in ClinVar:

NM_001148.6(ANK2):c.337G>A (p.Val113Ile)

Gene: ANK2 (ankyrin 2; plus strand). Cytogenetic location: 4q25.
Variant type: single nucleotide variant.
Coding change: c.337G>A on transcript NM_001148.6 (MANE Select); coding-DNA position 337, G replaced by A.
Protein change: p.Val113Ile; replaces valine 113 with isoleucine.
Molecular consequence: missense variant.
Genome position (GRCh38, 1-based): chr4:113,199,062, G>A. VCF-style: chr4-113199062-G-A. GRCh37 (hg19) VCF-style: chr4-114120218-G-A.
Other names: c.274G>A, p.Val92Ile (NM_001127493.3, NM_001354239.2, NM_001354243.2 and 33 more transcripts); c.337G>A, p.Val113Ile (NM_001354225.2, NM_001354228.2, NM_001354232.2 and 9 more transcripts); c.382G>A, p.Val128Ile (NM_001354230.2, NM_001354231.2, NM_001354237.2 and 5 more transcripts); c.319G>A, p.Val107Ile (NM_001354261.2, NM_001386147.1, NM_001386160.1); c.325G>A, p.Val109Ile (NM_001354269.3, NM_001386148.2, NM_001386187.2 and 1 more transcripts); c.388G>A, p.Val130Ile (NM_001386174.1, NM_001386175.1); short protein forms V113I, V92I, V109I, V107I, V128I, V130I.
Identifiers: ClinVar variation 423286 (VCV000423286.3), dbSNP rs760895981, ClinGen allele CA16618025.
Genomic context (GRCh38, chr4:113,199,062, plus strand): 5'-CCAAAACAGAAGGGAAATACCGCTCTTCACATTGCATCTTTGGCTGGACAAGCAGAAGTT[G>A]TCAAAGTTCTTGTTAAGGAAGGAGCCAATATTAATGCACAGTCTCAGGTATTCCATTCAG-3'
Protein context (NP_001139.3, residues 103-123): IASLAGQAEV[Val113Ile]KVLVKEGANI

ClinVar aggregate classification (germline): Uncertain significance. Review status: criteria provided, multiple submitters, no conflicts (2 of 4 stars). 2 submissions from 2 submitters: Uncertain significance (2). Last evaluated 2026-02-22.

Conditions:
Cardiovascular phenotype. Identifiers: MedGen CN230736.

Allele frequency attached by ClinVar (database versions not stated): gnomAD exomes below 0.00001 and 0.00002; gnomAD 0.00001; TOPMed below 0.00001.
gnomAD v4.1: 6 of 1,613,428 alleles (0.00037%); highest among the groups gnomAD compares: Non-Finnish European, 0.00042%; no homozygotes.

Submissions (2):

Ambry Genetics
Classification: Uncertain significance for Cardiovascular phenotype. Last evaluated: 2026-02-22. Review status: criteria provided, single submitter. Criteria: Ambry Variant Classification Scheme 2023. Collection method: clinical testing. Allele origin: germline.
Comment: The p.V113I variant (also known as c.337G>A), located in coding exon 4 of the ANK2 gene, results from a G to A substitution at nucleotide position 337. The valine at codon 113 is replaced by isoleucine, an amino acid with highly similar properties. This amino acid position is conserved. In addition, the in silico prediction for this alteration is inconclusive. Based on the available evidence, the clinical significance of this variant remains unclear.

GeneDx
Classification: Uncertain significance. Last evaluated: 2017-02-06. Review status: criteria provided, single submitter. Criteria: GeneDx Variant Classification (06012015). Collection method: clinical testing. Allele origin: germline. Affected: yes.
Comment: A variant of uncertain significance has been identified in the ANK2 gene. The V113I variant has not been published as pathogenic or been reported as benign to our knowledge. V113I is not observed in large population cohorts (Lek et al., 2016; 1000 Genomes Consortium et al., 2015; Exome Variant Server). The V113I variant is a conservative amino acid substitution, which is not likely to impact secondary protein structure as these residues share similar properties. However, this substitution occurs at a position that is conserved across species, and in silico analysis predicts this variant is probably damaging to the protein structure/function. Nevertheless, no pathogenic missense variants in nearby residues have been reported in the Human Gene Mutation Database (Stenson et al., 2014), indicating that this region of the gene is not known to harbor disease-causing variants.